The following is an entry in ClinVar:

ClinVar aggregate classification (germline): Uncertain significance (1 of 4 stars; one submission).

Submission:

Labcorp Genetics (formerly Invitae), Labcorp
Classification: Uncertain significance. Last evaluated: 2025-02-09. Review status: criteria provided, single submitter. Criteria: Invitae Variant Classification Sherloc (09022015). Collection method: clinical testing. Allele origin: germline.
Comment: This sequence change replaces alanine, which is neutral and non-polar, with serine, which is neutral and polar, at codon 1200 of the POLE protein (p.Ala1200Ser). This variant is not present in population databases (gnomAD no frequency). This variant has not been reported in the literature in individuals affected with POLE-related conditions. An algorithm developed to predict the effect of missense changes on protein structure and function (PolyPhen-2) suggests that this variant is likely to be tolerated. In summary, the available evidence is currently insufficient to determine the role of this variant in disease. Therefore, it has been classified as a Variant of Uncertain Significance.

NM_006231.4(POLE):c.3598G>T (p.Ala1200Ser)

Gene: POLE (DNA polymerase epsilon, catalytic subunit; minus strand). Cytogenetic location: 12q24.33.
Variant type: single nucleotide variant.
Coding change: c.3598G>T on transcript NM_006231.4 (MANE Select); coding-DNA position 3598, G replaced by T.
Protein change: p.Ala1200Ser; replaces alanine 1200 with serine.
Molecular consequence: missense variant.
Genome position (GRCh38, 1-based): chr12:132,649,874, C>A on the plus strand (G>T on the coding strand, the complement: POLE is on the minus strand). VCF-style: chr12-132649874-C-A. GRCh37 (hg19) VCF-style: chr12-133226460-C-A.
Other names: short protein forms A1200S.
Identifiers: ClinVar variation 4712614 (VCV004712614.1).